The following is an entry in ClinVar:

NM_000071.3(CBS):c.79_81dup (p.Ser27dup)

Gene: CBS (cystathionine beta-synthase; minus strand). Cytogenetic location: 21q22.3.
Variant type: Duplication.
Coding change: c.79_81dup on transcript NM_000071.3 (MANE Select); coding-DNA positions 79 to 81, 3 bases duplicated (AGC; older notation c.79_81dupAGC).
Protein change: p.Ser27dup; duplicates serine 27.
Molecular consequence: inframe insertion.
Genome position (GRCh38, 1-based): chr21:43,072,113-43,072,115, GCT duplicated on the plus strand (AGC on the coding strand, the reverse complement: CBS is on the minus strand). VCF-style (leftmost placement, unchanged base first): chr21-43072112-G-GGCT. GRCh37 (hg19) VCF-style: chr21-44492222-G-GGCT.
Other names: c.79_81dup, p.Ser27dup (NM_001178008.3, NM_001178009.3, NM_001320298.2).
Identifiers: ClinVar variation 1432449 (VCV001432449.7), dbSNP rs754535608, ClinGen allele CA321103981.

ClinVar aggregate classification (germline): Uncertain significance. Review status: criteria provided, multiple submitters, no conflicts (2 of 4 stars). 2 submissions from 2 submitters: Uncertain significance (2). Last evaluated 2021-09-24.

Conditions:
Familial thoracic aortic aneurysm and aortic dissection (TAAD). Also called: Thoracic aortic aneurysms and dissections. Identifiers: Orphanet 91387, MedGen C4707243, MONDO:0019625.
HYPERHOMOCYSTEINEMIA, THROMBOTIC, CBS-RELATED. Identifiers: MedGen C3150344, OMIM 236200.

Allele frequency attached by ClinVar (database versions not stated): ExAC 0.00001; gnomAD exomes 0.00001.

Submissions (2):

Labcorp Genetics (formerly Invitae), Labcorp
Classification: Uncertain significance for HYPERHOMOCYSTEINEMIA, THROMBOTIC, CBS-RELATED. Last evaluated: 2021-09-24. Review status: criteria provided, single submitter. Criteria: Invitae Variant Classification Sherloc (09022015). Collection method: clinical testing. Allele origin: germline.
Comment: This variant, c.79_81dup, results in the insertion of 1 amino acid(s) to the CBS protein (p.Ser27dup), but otherwise preserves the integrity of the reading frame. The frequency data for this variant in the population databases is considered unreliable, as metrics indicate poor data quality at this position in the ExAC database. This variant has not been reported in the literature in individuals with CBS-related conditions. Experimental studies and prediction algorithms are not available or were not evaluated, and the functional significance of this variant is currently unknown. In summary, the available evidence is currently insufficient to determine the role of this variant in disease. Therefore, it has been classified as a Variant of Uncertain Significance.

Ambry Genetics
Classification: Uncertain significance for Familial thoracic aortic aneurysm and aortic dissection. Last evaluated: 2021-06-07. Review status: criteria provided, single submitter. Criteria: Ambry Variant Classification Scheme 2023. Collection method: clinical testing. Allele origin: germline.
Comment: The c.79_81dupAGC variant (also known as p.S27dup), located in coding exon 1 of the CBS gene, results from an in-frame duplication of AGC at nucleotide positions 79 to 81. This results in the duplication of an extra serine residue between codons 27 and 28. This amino acid position is not well conserved in available vertebrate species. In addition, the in silico prediction for this alteration is inconclusive (Choi Y et al. PLoS ONE. 2012; 7(10):e46688). Since supporting evidence is limited at this time, the clinical significance of this alteration remains unclear.